The following is an entry in ClinVar:

ClinVar aggregate classification (germline): Benign/Likely benign. Review status: criteria provided, multiple submitters, no conflicts (2 of 4 stars). 3 submissions from 3 submitters: Benign (1); Likely benign (2). Last evaluated 2025-06-12.

Allele frequency attached by ClinVar (database versions not stated): gnomAD exomes 0.00003; ExAC 0.00012; 1000 Genomes Project 30x 0.00031; 1000 Genomes Project 0.00040; gnomAD 0.00042; TOPMed 0.00043; ESP Exome Variant Server 0.00062.
gnomAD v4.1: 125 of 1,614,116 alleles (0.0077%); highest among the groups gnomAD compares: African/African-American, 0.14%; no homozygotes.

Submissions (3):

Labcorp Genetics (formerly Invitae), Labcorp
Classification: Benign. Last evaluated: 2025-06-12. Review status: criteria provided, single submitter. Criteria: Invitae Variant Classification Sherloc (09022015). Collection method: clinical testing. Allele origin: germline.

Mayo Clinic Laboratories, Mayo Clinic
Classification: Likely benign. Last evaluated: 2025-01-20. Review status: criteria provided, single submitter. Criteria: ACMG Guidelines, 2015. Collection method: clinical testing. Allele origin: germline. Observed: 2 variant alleles.
Comment: BS1, BP4, BP7

Blueprint Genetics
Classification: Likely benign. Last evaluated: 2024-08-28. Review status: criteria provided, single submitter. Criteria: ACMG Guidelines, 2015. Collection method: clinical testing. Allele origin: germline.

NM_003361.4(UMOD):c.1146C>T (p.Thr382=)

Gene: UMOD (uromodulin; minus strand). Cytogenetic location: 16p12.3.
Variant type: single nucleotide variant.
Coding change: c.1146C>T on transcript NM_003361.4 (MANE Select); coding-DNA position 1146, C replaced by T.
Protein change: p.Thr382=; no amino-acid change (threonine 382 retained).
Molecular consequence: synonymous variant. On other transcripts: non-coding transcript variant (1).
Genome position (GRCh38, 1-based): chr16:20,346,162, G>A on the plus strand (C>T on the coding strand, the complement: UMOD is on the minus strand). VCF-style: chr16-20346162-G-A. GRCh37 (hg19) VCF-style: chr16-20357484-G-A.
Other names: p.Thr382=; c.1146C>T, p.Thr382= (NM_001008389.3, NM_001378232.1, NM_001378233.1 and 3 more transcripts); c.1245C>T, p.Thr415= (NM_001278614.2); c.1146C>T (NM_003361.3).
Identifiers: ClinVar variation 2758312 (VCV002758312.5), dbSNP rs146885508, ClinGen allele CA7939289.